The following is an entry in ClinVar:

ClinVar aggregate classification (germline): Uncertain significance (1 of 4 stars; one submission).

Conditions:
Cardiovascular phenotype. Identifiers: MedGen CN230736.

gnomAD v4.1: 2 of 1,614,090 alleles (0.00012%); highest among the groups gnomAD compares: Non-Finnish European, 0.00017%; no homozygotes.

Submission:

Ambry Genetics
Classification: Uncertain significance for Cardiovascular phenotype. Last evaluated: 2025-07-18. Review status: criteria provided, single submitter. Criteria: Ambry Variant Classification Scheme 2023. Collection method: clinical testing. Allele origin: germline.
Comment: The p.D286H variant (also known as c.856G>C), located in coding exon 7 of the SPRED1 gene, results from a G to C substitution at nucleotide position 856. The aspartic acid at codon 286 is replaced by histidine, an amino acid with similar properties. This amino acid position is conserved. In addition, the in silico prediction for this alteration is inconclusive. Based on the available evidence, the clinical significance of this variant remains unclear.

NM_152594.3(SPRED1):c.856G>C (p.Asp286His)

Gene: SPRED1 (sprouty related EVH1 domain containing 1; plus strand). Cytogenetic location: 15q14.
Variant type: single nucleotide variant.
Coding change: c.856G>C on transcript NM_152594.3 (MANE Select); coding-DNA position 856, G replaced by C.
Protein change: p.Asp286His; replaces aspartic acid 286 with histidine.
Molecular consequence: missense variant.
Genome position (GRCh38, 1-based): chr15:38,351,185, G>C. VCF-style: chr15-38351185-G-C. GRCh37 (hg19) VCF-style: chr15-38643386-G-C.
Other names: short protein forms D286H.
Identifiers: ClinVar variation 4174036 (VCV004174036.1).